The following is an entry in ClinVar:

NM_006306.4(SMC1A):c.171G>C (p.Arg57=)

Gene: SMC1A (structural maintenance of chromosomes 1A; minus strand). Cytogenetic location: Xp11.22.
Variant type: single nucleotide variant.
Coding change: c.171G>C on transcript NM_006306.4 (MANE Select); coding-DNA position 171, G replaced by C.
Protein change: p.Arg57=; no amino-acid change (arginine 57 retained).
Molecular consequence: synonymous variant.
Genome position (GRCh38, 1-based): chrX:53,415,108, C>G on the plus strand (G>C on the coding strand, the complement: SMC1A is on the minus strand). VCF-style: chrX-53415108-C-G. GRCh37 (hg19) VCF-style: chrX-53442057-C-G.
Other names: c.105G>C, p.Arg35= (NM_001281463.1).
Identifiers: ClinVar variation 3384774 (VCV003384774.2).
Genomic context (GRCh38, chrX:53,415,108, plus strand): 5'-CCGGTTGGCAGCTGGCTTGCCCACAGGAGCTCCATGGATCAGGTCCCGCAGGGTCTTTAC[C>G]CGCAGGTTGCTGGTTTTTTCACCTAGCACAAAGCTGATGGCATCCATGAGATTTGACTTA-3'
Protein context (NP_006297.2, residues 47-67): FVLGEKTSNL[Arg57=]VKTLRDLIHG

ClinVar aggregate classification (germline): Likely benign. Review status: criteria provided, multiple submitters, no conflicts (2 of 4 stars). 2 submissions from 2 submitters: Likely benign (2). Last evaluated 2025-11-16.

Conditions:
Congenital muscular hypertrophy-cerebral syndrome (CDLS2). Also called: Cornelia de Lange syndrome 2; SMC1A-Related Cornelia de Lange Syndrome. Identifiers: Orphanet 199, MedGen C1802395, MONDO:0010370, OMIM 300590.

gnomAD v4.1: 4 of 1,211,481 alleles (0.00033%); highest among the groups gnomAD compares: Non-Finnish European, 0.00045%; no homozygotes.

Submissions (2):

Labcorp Genetics (formerly Invitae), Labcorp
Classification: Likely benign for Congenital muscular hypertrophy-cerebral syndrome. Last evaluated: 2025-11-16. Review status: criteria provided, single submitter. Criteria: Invitae Variant Classification Sherloc (09022015). Collection method: clinical testing. Allele origin: germline.

Women's Health and Genetics/Laboratory Corporation of America, LabCorp
Classification: Likely benign. Last evaluated: 2024-10-10. Review status: criteria provided, single submitter. Criteria: LabCorp Variant Classification Summary - May 2015. Collection method: clinical testing. Allele origin: germline.
Comment: Variant summary: SMC1A c.171G>C alters a conserved nucleotide resulting in a synonymous change. Consensus agreement among computation tools predict no significant impact on normal splicing. However, these predictions have yet to be confirmed by functional studies. The variant was absent in 183196 control chromosomes. The available data on variant occurrences in the general population are insufficient to allow any conclusion about variant significance. To our knowledge, no occurrence of c.171G>C in individuals affected with SMC1A-related conditions and no experimental evidence demonstrating its impact on protein function have been reported. No submitters have cited clinical-significance assessments for this variant to ClinVar. Based on the evidence outlined above, the variant was classified as likely benign.